The following is an entry in ClinVar:

ClinVar aggregate classification (germline): Uncertain significance. Review status: criteria provided, multiple submitters, no conflicts (2 of 4 stars). 2 submissions from 2 submitters: Uncertain significance (2). Last evaluated 2026-08-20.

Conditions:
Hereditary cancer-predisposing syndrome. Also called: Tumor predisposition; Hereditary Cancer Syndrome; Hereditary neoplastic syndrome; Neoplastic Syndromes, Hereditary. Identifiers: Orphanet 140162, MedGen C0027672, MeSH D009386, MONDO:0015356.
Neuroblastoma, susceptibility to, 3. Also called: ALK-Related Neuroblastic Tumor Susceptibility. Identifiers: Orphanet 635, MedGen C2751681, MONDO:0013083, OMIM 613014.

gnomAD v4.1: 1 of 1,613,968 alleles (0.000062%); highest among the groups gnomAD compares: Non-Finnish European, 0.000085%; no homozygotes.

Submissions (2):

Ambry Genetics
Classification: Uncertain significance for Hereditary cancer-predisposing syndrome. Last evaluated: 2026-08-20. Review status: criteria provided, single submitter. Criteria: Ambry Variant Classification Scheme 2023. Collection method: clinical testing. Allele origin: germline.
Comment: The p.V1135A variant (also known as c.3404T>C), located in coding exon 21 of the ALK gene, results from a T to C substitution at nucleotide position 3404. The valine at codon 1135 is replaced by alanine, an amino acid with similar properties. This amino acid position is well conserved in available vertebrate species. In addition, the in silico prediction for this alteration is inconclusive. Based on the available evidence, the clinical significance of this variant remains unclear.

Labcorp Genetics (formerly Invitae), Labcorp
Classification: Uncertain significance for Neuroblastoma, susceptibility to, 3. Last evaluated: 2023-10-06. Review status: criteria provided, single submitter. Criteria: Invitae Variant Classification Sherloc (09022015). Collection method: clinical testing. Allele origin: germline.
Comment: This sequence change replaces valine, which is neutral and non-polar, with alanine, which is neutral and non-polar, at codon 1135 of the ALK protein (p.Val1135Ala). This variant is not present in population databases (gnomAD no frequency). This variant has not been reported in the literature in individuals affected with ALK-related conditions. ClinVar contains an entry for this variant (Variation ID: 1053173). An algorithm developed to predict the effect of missense changes on protein structure and function (PolyPhen-2) suggests that this variant is likely to be disruptive. In summary, the available evidence is currently insufficient to determine the role of this variant in disease. Therefore, it has been classified as a Variant of Uncertain Significance.

NM_004304.5(ALK):c.3404T>C (p.Val1135Ala)

Gene: ALK (ALK receptor tyrosine kinase; minus strand). Cytogenetic location: 2p23.2.
Variant type: single nucleotide variant.
Coding change: c.3404T>C on transcript NM_004304.5 (MANE Select); coding-DNA position 3404, T replaced by C.
Protein change: p.Val1135Ala; replaces valine 1135 with alanine.
Molecular consequence: missense variant.
Genome position (GRCh38, 1-based): chr2:29,222,563, A>G on the plus strand (T>C on the coding strand, the complement: ALK is on the minus strand). VCF-style: chr2-29222563-A-G. GRCh37 (hg19) VCF-style: chr2-29445429-A-G.
Other names: c.3404T>C (NM_004304.4); c.200T>C, p.Val67Ala (NM_001353765.2); short protein forms V1135A, V67A.
Identifiers: ClinVar variation 1053173 (VCV001053173.10), dbSNP rs2148169266, ClinGen allele CA346463941.